The following is an entry in ClinVar:

NM_000051.4(ATM):c.4594G>A (p.Val1532Met)

Gene: ATM (ATM serine/threonine kinase; plus strand). Cytogenetic location: 11q22.3.
Variant type: single nucleotide variant.
Coding change: c.4594G>A on transcript NM_000051.4 (MANE Select); coding-DNA position 4594, G replaced by A.
Protein change: p.Val1532Met; replaces valine 1532 with methionine.
Molecular consequence: missense variant.
Genome position (GRCh38, 1-based): chr11:108,292,776, G>A. VCF-style: chr11-108292776-G-A. GRCh37 (hg19) VCF-style: chr11-108163503-G-A.
Other names: c.4594G>A, p.Val1532Met (NM_001351834.2); short protein forms V1532M.
Identifiers: ClinVar variation 1448792 (VCV001448792.6), dbSNP rs2135802444, ClinGen allele CA382534011.

ClinVar aggregate classification (germline): Uncertain significance (1 of 4 stars; one submission).

Conditions:
Ataxia-telangiectasia syndrome (AT). Also called: Ataxia-telangiectasia; LOUIS-BAR SYNDROME; AT, COMPLEMENTATION GROUP C; Ataxia-telangiectasia, complementation group E; Ataxia telangiectasia (A-T); Cerebello-oculocutaneous telangiectasia. Identifiers: Orphanet 100, MedGen C0004135, MONDO:0008840, OMIM 208900.

Submission:

Labcorp Genetics (formerly Invitae), Labcorp
Classification: Uncertain significance for Ataxia-telangiectasia syndrome. Last evaluated: 2024-01-12. Review status: criteria provided, single submitter. Criteria: Invitae Variant Classification Sherloc (09022015). Collection method: clinical testing. Allele origin: germline.
Comment: This sequence change replaces valine, which is neutral and non-polar, with methionine, which is neutral and non-polar, at codon 1532 of the ATM protein (p.Val1532Met). This variant is not present in population databases (gnomAD no frequency). This variant has not been reported in the literature in individuals affected with ATM-related conditions. ClinVar contains an entry for this variant (Variation ID: 1448792). Algorithms developed to predict the effect of missense changes on protein structure and function output the following: SIFT: "Not Available"; PolyPhen-2: "Benign"; Align-GVGD: "Not Available". The methionine amino acid residue is found in multiple mammalian species, which suggests that this missense change does not adversely affect protein function. In summary, the available evidence is currently insufficient to determine the role of this variant in disease. Therefore, it has been classified as a Variant of Uncertain Significance.